The following is an entry in ClinVar:

ClinVar aggregate classification (germline): Pathogenic (1 of 4 stars; one submission).

Submission:

GeneDx
Classification: Pathogenic. Last evaluated: 2018-02-26. Review status: criteria provided, single submitter. Criteria: GeneDx Variant Classification (06012015). Collection method: clinical testing. Allele origin: germline. Affected: yes.
Comment: The c.695dupG variant in the PRKAR1A gene has not been published as a pathogenic variant, nor has it been reported as a benign variant to our knowledge. This duplication causes a frameshift starting with codon Arginine 233, changes this amino acid to a Lysine residue and creates a premature Stop codon at position 15 of the new reading frame, denoted p.Arg233LysfsX15. This variant is predicted to cause loss of normal protein function either through protein truncation or nonsense-mediated mRNA decay. The c.695dupG variant is not observed in large population cohorts. Based on currently available evidence, we consider c.695dupG to be a pathogenic variant.

NM_002734.5(PRKAR1A):c.695dup (p.Arg233fs)

Gene: PRKAR1A (protein kinase cAMP-dependent type I regulatory subunit alpha; plus strand). Cytogenetic location: 17q24.2.
Variant type: Duplication.
Coding change: c.695dup on transcript NM_002734.5 (MANE Select); coding-DNA position 695, one base duplicated (G; older notation c.695dupG).
Protein change: p.Arg233fs; shifts the reading frame from arginine 233.
Molecular consequence: frameshift variant.
Genome position (GRCh38, 1-based): chr17:68,525,899, G duplicated. VCF-style (leftmost placement, unchanged base first): chr17-68525898-A-AG. GRCh37 (hg19) VCF-style: chr17-66522039-A-AG.
Other names: c.695dup, p.Arg233fs (NM_001276289.2, NM_001276290.1, NM_001278433.2 and 4 more transcripts); short protein forms R233fs.
Identifiers: ClinVar variation 450406 (VCV000450406.2), dbSNP rs1555814115, ClinGen allele CA658658705.
Genomic context (GRCh38, chr17:68,525,898, plus strand): 5'-GCAGCCACTGTCAAAGCAAAGACAAATGTGAAATTGTGGGGCATCGACCGAGACAGCTAT[A>AG]GAAGAATCCTCATGGTAAGAGACCATGGTGTTTGAGAGTGTGATTTAGAATTCTCATCTA-3'